The following is an entry in ClinVar:

NM_004484.4(GPC3):c.986A>G (p.Asp329Gly)

Gene: GPC3 (glypican 3; minus strand). Cytogenetic location: Xq26.2.
Variant type: single nucleotide variant.
Coding change: c.986A>G on transcript NM_004484.4 (MANE Select); coding-DNA position 986, A replaced by G.
Protein change: p.Asp329Gly; replaces aspartic acid 329 with glycine.
Molecular consequence: missense variant.
Genome position (GRCh38, 1-based): chrX:133,753,528, T>C on the plus strand (A>G on the coding strand, the complement: GPC3 is on the minus strand). VCF-style: chrX-133753528-T-C. GRCh37 (hg19) VCF-style: chrX-132887555-T-C.
Other names: c.986A>G, p.Asp329Gly (NM_001164617.2); c.938A>G, p.Asp313Gly (NM_001164618.2); c.824A>G, p.Asp275Gly (NM_001164619.2); short protein forms D329G, D275G, D313G.
Identifiers: ClinVar variation 476671 (VCV000476671.12), dbSNP rs1199305584, ClinGen allele CA414705105.

ClinVar aggregate classification (germline): Conflicting classifications of pathogenicity. Review status: criteria provided, conflicting classifications (1 of 4 stars). 2 submissions from 2 submitters: Uncertain significance (1); Likely benign (1). Last evaluated 2025-07-30.

Conditions:
Wilms tumor 1 (WT1). Also called: Wilms tumor, somatic. Identifiers: Orphanet 654, MedGen CN033288, MONDO:0008679, OMIM 194070.

Allele frequency attached by ClinVar (database versions not stated): TOPMed 0.00002.

Submissions (2):

Labcorp Genetics (formerly Invitae), Labcorp
Classification: Likely benign for Wilms tumor 1. Last evaluated: 2025-07-30. Review status: criteria provided, single submitter. Criteria: Invitae Variant Classification Sherloc (09022015). Collection method: clinical testing. Allele origin: germline.

GeneDx
Classification: Uncertain significance. Last evaluated: 2019-11-23. Review status: criteria provided, single submitter. Criteria: GeneDx Variant Classification Process June 2021. Collection method: clinical testing. Allele origin: germline. Affected: yes.
Comment: Not observed in large population cohorts (Lek et al., 2016); In silico analysis, which includes protein predictors and evolutionary conservation, supports a deleterious effect; Has not been previously published as pathogenic or benign to our knowledge